The following is an entry in ClinVar:

ClinVar aggregate classification (germline): Uncertain significance (1 of 4 stars; one submission).

Submission:

GeneDx
Classification: Uncertain significance. Last evaluated: 2022-10-17. Review status: criteria provided, single submitter. Criteria: GeneDx Variant Classification Process June 2021. Collection method: clinical testing. Allele origin: germline. Affected: yes.
Comment: Not observed at significant frequency in large population cohorts (gnomAD); In-frame deletion of 3 amino acids in a non-repeat region; Has not been previously published as pathogenic or benign to our knowledge

NM_014727.3(KMT2B):c.870_878del (p.289GRG[1])

Gene: KMT2B (lysine methyltransferase 2B; plus strand). Cytogenetic location: 19q13.12.
Variant type: Deletion.
Coding change: c.870_878del on transcript NM_014727.3 (MANE Select); coding-DNA positions 870 to 878, 9 bases deleted (TGGAGGCAG; older notation c.870_878delTGGAGGCAG).
Protein change: p.289GRG[1].
Molecular consequence: inframe deletion.
Genome position (GRCh38, 1-based): chr19:35,720,217-35,720,225, TGGAGGCAG deleted; deleting any 9 consecutive bases within chr19:35,720,216-35,720,225 gives the same sequence; the c. name uses the placement nearest the transcript's 3' end. VCF-style (leftmost placement, unchanged base first): chr19-35720215-CGTGGAGGCA-C. GRCh37 (hg19) VCF-style: chr19-36211117-CGTGGAGGCA-C.
Identifiers: ClinVar variation 2499235 (VCV002499235.1), dbSNP rs750970160, ClinGen allele CA9384131.